The following is an entry in ClinVar:

ClinVar aggregate classification (germline): Conflicting classifications of pathogenicity. Review status: criteria provided, conflicting classifications (1 of 4 stars). 3 submissions from 3 submitters: Uncertain significance (2); Likely benign (1). Last evaluated 2026-03-03.

Conditions:
Inborn genetic diseases. Identifiers: MedGen C0950123, MeSH D030342.
NBAS-related disorder. Also called: NBAS-related condition.

gnomAD v4.1: 47 of 1,613,802 alleles (0.0029%); highest among the groups gnomAD compares: Admixed American, 0.057%; 1 homozygote.

Submissions (3):

PreventionGenetics, part of Exact Sciences
Classification: Uncertain significance for NBAS-related condition. Last evaluated: 2026-03-03. Review status: criteria provided, single submitter. Criteria: ACMG Guidelines, 2015. Collection method: clinical testing. Allele origin: germline.
Comment: The NBAS c.5213C>G variant is predicted to result in the amino acid substitution p.Ala1738Gly. To our knowledge, this variant has not been reported in the literature. This variant is reported in 0.020% of alleles in individuals of Latino descent in gnomAD. Although we suspect that this variant may be benign, at this time, the clinical significance of this variant is uncertain due to the absence of conclusive functional and genetic evidence.

Labcorp Genetics (formerly Invitae), Labcorp
Classification: Likely benign. Last evaluated: 2025-12-24. Review status: criteria provided, single submitter. Criteria: Invitae Variant Classification Sherloc (09022015). Collection method: clinical testing. Allele origin: germline.

Ambry Genetics
Classification: Uncertain significance for Inborn genetic diseases. Last evaluated: 2023-11-17. Review status: criteria provided, single submitter. Criteria: Ambry Variant Classification Scheme 2023. Collection method: clinical testing. Allele origin: germline.

NM_015909.4(NBAS):c.5213C>G (p.Ala1738Gly)

Gene: NBAS (NBAS subunit of NRZ tethering complex; minus strand). Cytogenetic location: 2p24.3.
Variant type: single nucleotide variant.
Coding change: c.5213C>G on transcript NM_015909.4 (MANE Select); coding-DNA position 5213, C replaced by G.
Protein change: p.Ala1738Gly; replaces alanine 1738 with glycine.
Molecular consequence: missense variant. On other transcripts: non-coding transcript variant (1).
Genome position (GRCh38, 1-based): chr2:15,277,027, G>C on the plus strand (C>G on the coding strand, the complement: NBAS is on the minus strand). VCF-style: chr2-15277027-G-C. GRCh37 (hg19) VCF-style: chr2-15417151-G-C.
Other names: c.5213C>G (NM_015909.2, NM_015909.3); short protein forms A1738G.
Identifiers: ClinVar variation 1411386 (VCV001411386.8), dbSNP rs146291374, ClinGen allele CA1535352.